The following is an entry in ClinVar:

NM_014254.3(RXYLT1):c.92del (p.Arg31fs)

Gene: RXYLT1 (ribitol xylosyltransferase 1; plus strand). Cytogenetic location: 12q14.2.
Variant type: Deletion.
Coding change: c.92del on transcript NM_014254.3 (MANE Select); coding-DNA position 92, one base deleted (G; older notation c.92delG).
Protein change: p.Arg31fs; shifts the reading frame from arginine 31.
Molecular consequence: frameshift variant.
Genome position (GRCh38, 1-based): chr12:63,780,052, G deleted. VCF-style (leftmost placement, unchanged base first): chr12-63780051-CG-C. GRCh37 (hg19) VCF-style: chr12-64173831-CG-C.
Other names: c.92delG (NM_014254.2); short protein forms R31fs.
Identifiers: ClinVar variation 265345 (VCV000265345.11), dbSNP rs886039490, ClinGen allele CA10588556.

ClinVar aggregate classification (germline): Pathogenic/Likely pathogenic. Review status: criteria provided, multiple submitters, no conflicts (2 of 4 stars). 3 submissions from 3 submitters: Pathogenic (2); Likely pathogenic (1). Last evaluated 2025-12-08.

Conditions:
Muscular dystrophy-dystroglycanopathy (congenital with brain and eye anomalies), type a, 10 (MDDGA10). Also called: WALKER-WARBURG SYNDROME OR MUSCLE-EYE-BRAIN DISEASE, TMEM5-RELATED. Identifiers: Orphanet 899, MedGen C3554381, MONDO:0014022, OMIM 615041.

Allele frequency attached by ClinVar (database versions not stated): gnomAD exomes below 0.00001 and 0.00002; TOPMed below 0.00001; gnomAD 0.00001.

Submissions (3):

Labcorp Genetics (formerly Invitae), Labcorp
Classification: Pathogenic. Last evaluated: 2025-12-08. Review status: criteria provided, single submitter. Criteria: Invitae Variant Classification Sherloc (09022015). Collection method: clinical testing. Allele origin: germline.
Comment: This sequence change creates a premature translational stop signal (p.Arg31Profs*58) in the RXYLT1 gene. It is expected to result in an absent or disrupted protein product. Loss-of-function variants in RXYLT1 are known to be pathogenic (PMID: 23217329, 23519211, 31742715). This variant is present in population databases (no rsID available, gnomAD 0.002%). This variant has not been reported in the literature in individuals affected with RXYLT1-related conditions. ClinVar contains an entry for this variant (Variation ID: 265345). For these reasons, this variant has been classified as Pathogenic.

Revvity Omics, Revvity
Classification: Likely pathogenic for Muscular dystrophy-dystroglycanopathy (congenital with brain and eye anomalies), type a, 10. Last evaluated: 2024-06-21. Review status: criteria provided, single submitter. Criteria: ACMG Guidelines, 2015. Collection method: clinical testing. Allele origin: germline.

GeneDx
Classification: Pathogenic. Last evaluated: 2021-09-02. Review status: criteria provided, single submitter. Criteria: GeneDx Variant Classification Process June 2021. Collection method: clinical testing. Allele origin: germline. Affected: yes.
Comment: Frameshift variant predicted to result in protein truncation or nonsense mediated decay in a gene for which loss-of-function is a known mechanism of disease; Not observed at a significant frequency in large population cohorts (Lek et al., 2016); Has not been previously published as pathogenic or benign to our knowledge

Literature cited by the submitters: PubMed 23217329 (cited by Labcorp Genetics (formerly Invitae), Labcorp); PubMed 23519211 (cited by Labcorp Genetics (formerly Invitae), Labcorp); PubMed 31742715 (cited by Labcorp Genetics (formerly Invitae), Labcorp).